The following is an entry in ClinVar:

ClinVar aggregate classification (germline): Uncertain significance (1 of 4 stars; one submission).

Conditions:
Hereditary cancer-predisposing syndrome. Also called: Tumor predisposition; Neoplastic Syndromes, Hereditary; Hereditary Cancer Syndrome; Hereditary neoplastic syndrome. Identifiers: Orphanet 140162, MedGen C0027672, MeSH D009386, MONDO:0015356.

gnomAD v4.1: 1 of 1,609,336 alleles (0.000062%); highest among the groups gnomAD compares: African/African-American, 0.0013%; no homozygotes.

Submission:

Ambry Genetics
Classification: Uncertain significance for Hereditary cancer-predisposing syndrome. Last evaluated: 2024-07-28. Review status: criteria provided, single submitter. Criteria: Ambry Variant Classification Scheme 2023. Collection method: clinical testing. Allele origin: germline.
Comment: The p.D481H variant (also known as c.1441G>C), located in coding exon 16 of the CDC73 gene, results from a G to C substitution at nucleotide position 1441. The aspartic acid at codon 481 is replaced by histidine, an amino acid with similar properties. This amino acid position is conserved. In addition, the in silico prediction for this alteration is inconclusive. Based on the available evidence, the clinical significance of this variant remains unclear.

NM_024529.5(CDC73):c.1441G>C (p.Asp481His)

Gene: CDC73 (cell division cycle 73; plus strand). Cytogenetic location: 1q31.2.
Variant type: single nucleotide variant.
Coding change: c.1441G>C on transcript NM_024529.5 (MANE Select); coding-DNA position 1441, G replaced by C.
Protein change: p.Asp481His; replaces aspartic acid 481 with histidine.
Molecular consequence: missense variant.
Genome position (GRCh38, 1-based): chr1:193,249,753, G>C. VCF-style: chr1-193249753-G-C. GRCh37 (hg19) VCF-style: chr1-193218883-G-C.
Other names: short protein forms D481H.
Identifiers: ClinVar variation 3488509 (VCV003488509.1).